The following is an entry in ClinVar:

NM_032119.4(ADGRV1):c.8300C>T (p.Thr2767Ile)

Gene: ADGRV1 (adhesion G protein-coupled receptor V1; plus strand). Cytogenetic location: 5q14.3.
Variant type: single nucleotide variant.
Coding change: c.8300C>T on transcript NM_032119.4 (MANE Select); coding-DNA position 8300, C replaced by T.
Protein change: p.Thr2767Ile; replaces threonine 2767 with isoleucine.
Molecular consequence: missense variant. On other transcripts: non-coding transcript variant (1).
Genome position (GRCh38, 1-based): chr5:90,704,402, C>T. VCF-style: chr5-90704402-C-T. GRCh37 (hg19) VCF-style: chr5-90000219-C-T.
Other names: short protein forms T2767I.
Identifiers: ClinVar variation 506021 (VCV000506021.4), dbSNP rs1554088550, ClinGen allele CA360389704.
Genomic context (GRCh38, chr5:90,704,402, plus strand): 5'-CATATTCAATAACGACAGCGGGATTGATTTCTTTCTGTATGACATAGGGGTCGTTGAATA[C>T]AACATTGTTTGTGCATTTGTTGGATGACAACATTCCTGAGGAGAAAGAAGTATACCAAGT-3'
Protein context (NP_115495.3, residues 2757-2777): QLFFPEGSLN[Thr2767Ile]TLFVHLLDDN

ClinVar aggregate classification (germline): Likely benign (1 of 4 stars; one submission).

Allele frequency attached by ClinVar (database versions not stated): gnomAD exomes below 0.00001.
gnomAD v4.1: 1 of 1,572,574 alleles (0.000064%); highest among the groups gnomAD compares: South Asian, 0.0012%; no homozygotes.

Submission:

Laboratory for Molecular Medicine, Mass General Brigham Personalized Medicine
Classification: Likely benign. Last evaluated: 2017-08-25. Review status: criteria provided, single submitter. Criteria: LMM Criteria. Collection method: clinical testing. Allele origin: germline. Observed: 1 variant allele.
Comment: p.Thr2767Ile in exon 36 of GPR98: This variant is not expected to have clinical significance due to a lack of conservation across species, including mammals. Of note, 4 mammals (sheep, domestic goat, bat and big brown bat) have an isoleucin e (Ile) at this position despite high nearby amino acid conservation. In additio n, computational prediction tools do not suggest a high likelihood of impact to the protein.